The following is an entry in ClinVar:

NM_001048174.2(MUTYH):c.32G>C (p.Gly11Ala)

Gene: MUTYH (mutY DNA glycosylase; minus strand). Cytogenetic location: 1p34.1.
Variant type: single nucleotide variant.
Coding change: c.32G>C on transcript NM_001048174.2 (MANE Select); coding-DNA position 32, G replaced by C.
Protein change: p.Gly11Ala; replaces glycine 11 with alanine.
Molecular consequence: missense variant. On other transcripts: 5 prime UTR variant (7), non-coding transcript variant (7).
Genome position (GRCh38, 1-based): chr1:45,334,474, C>G on the plus strand (G>C on the coding strand, the complement: MUTYH is on the minus strand). VCF-style: chr1-45334474-C-G. GRCh37 (hg19) VCF-style: chr1-45800146-C-G.
Other names: c.74G>C, p.Gly25Ala (NM_001407073.1, NM_012222.3, NM_001128425.2 and 2 more transcripts); c.-125G>C (NM_001407075.1); c.32G>C, p.Gly11Ala (NM_001407077.1, NM_001407078.1, NM_001407079.1 and 15 more transcripts); c.-176G>C (NM_001407082.1, NM_001350651.2); c.50G>C, p.Gly17Ala (NM_001407087.1); c.-181G>C (NM_001407091.1, NM_001293192.2, NM_001293196.2); c.-240G>C (NM_001350650.2); short protein forms G11A, G25A, G17A.
Identifiers: ClinVar variation 4113808 (VCV004113808.1).

ClinVar aggregate classification (germline): Uncertain significance (1 of 4 stars; one submission).

Conditions:
Hereditary cancer-predisposing syndrome. Also called: Hereditary neoplastic syndrome; Neoplastic Syndromes, Hereditary; Tumor predisposition; Hereditary Cancer Syndrome. Identifiers: Orphanet 140162, MedGen C0027672, MeSH D009386, MONDO:0015356.

Submission:

Ambry Genetics
Classification: Uncertain significance for Hereditary cancer-predisposing syndrome. Last evaluated: 2025-08-27. Review status: criteria provided, single submitter. Criteria: Ambry Variant Classification Scheme 2023. Collection method: clinical testing. Allele origin: germline.
Comment: The p.G25A variant (also known as c.74G>C), located in coding exon 2 of the MUTYH gene, results from a G to C substitution at nucleotide position 74. The glycine at codon 25 is replaced by alanine, an amino acid with similar properties. This amino acid position is conserved. In addition, this alteration is predicted to be tolerated by in silico analysis. Based on the available evidence, the clinical significance of this variant remains unclear.